The following is an entry in ClinVar:

NM_005045.4(RELN):c.5086C>G (p.Leu1696Val)

Gene: RELN (reelin; minus strand). Cytogenetic location: 7q22.1.
Variant type: single nucleotide variant.
Coding change: c.5086C>G on transcript NM_005045.4 (MANE Select); coding-DNA position 5086, C replaced by G.
Protein change: p.Leu1696Val; replaces leucine 1696 with valine.
Molecular consequence: missense variant.
Genome position (GRCh38, 1-based): chr7:103,565,402, G>C on the plus strand (C>G on the coding strand, the complement: RELN is on the minus strand). VCF-style: chr7-103565402-G-C. GRCh37 (hg19) VCF-style: chr7-103205849-G-C.
Other names: c.5086C>G, p.Leu1696Val (NM_173054.3); short protein forms L1696V.
Identifiers: ClinVar variation 2504341 (VCV002504341.1), dbSNP rs558229472, ClinGen allele CA4421331.

ClinVar aggregate classification (germline): Uncertain significance (1 of 4 stars; one submission).

Allele frequency attached by ClinVar (database versions not stated): ExAC 0.00001; gnomAD 0.00001; TOPMed 0.00001.
gnomAD v4.1: 23 of 1,613,992 alleles (0.0014%); highest among the groups gnomAD compares: Non-Finnish European, 0.0019%; no homozygotes.

Submission:

GeneDx
Classification: Uncertain significance. Last evaluated: 2022-12-02. Review status: criteria provided, single submitter. Criteria: GeneDx Variant Classification Process June 2021. Collection method: clinical testing. Allele origin: germline. Affected: yes.
Comment: Not observed at significant frequency in large population cohorts (gnomAD); In silico analysis supports that this missense variant does not alter protein structure/function; Has not been previously published as pathogenic or benign to our knowledge